The following is an entry in ClinVar:

ClinVar aggregate classification (germline): Uncertain significance (1 of 4 stars; one submission).

Conditions:
Galactosemia 4. Also called: GALACTOSEMIA IV; GALACTOSE MUTAROTASE DEFICIENCY. Identifiers: Orphanet 570422, MedGen C5394377, MONDO:0030105, OMIM 618881.

gnomAD v4.1: 6 of 1,613,764 alleles (0.00037%); highest among the groups gnomAD compares: Admixed American, 0.0083%; no homozygotes.

Submission:

3billion
Classification: Uncertain significance for Galactosemia 4. Last evaluated: 2025-08-28. Review status: criteria provided, single submitter. Criteria: ACMG Guidelines, 2015. Collection method: clinical testing. Allele origin: germline. Affected: yes.
Comment: The variant is observed at an extremely low frequency in the gnomAD v4.1.0 dataset (total allele frequency: <0.001%). Predicted Consequence/Location: Missense variant. The majority of the known disease-causing variants of this gene are variants expected to result in premature termination of the protein. Therefore, this variant is classified as VUS according to the recommendation of ACMG/AMP guideline.

NM_138801.3(GALM):c.960C>G (p.Phe320Leu)

Gene: GALM (galactose mutarotase; plus strand). Cytogenetic location: 2p22.1.
Variant type: single nucleotide variant.
Coding change: c.960C>G on transcript NM_138801.3 (MANE Select); coding-DNA position 960, C replaced by G.
Protein change: p.Phe320Leu; replaces phenylalanine 320 with leucine.
Molecular consequence: missense variant.
Genome position (GRCh38, 1-based): chr2:38,733,496, C>G. VCF-style: chr2-38733496-C-G. GRCh37 (hg19) VCF-style: chr2-38960638-C-G.
Other names: short protein forms F320L.
Identifiers: ClinVar variation 4856324 (VCV004856324.1).
Genomic context (GRCh38, chr2:38,733,496, plus strand): 5'-AATGTTGCAGCCTGCGGTGTCAAGCATCACCTGTGTTGTTTCCCCTTCACAGCCCCGCTT[C>G]CCTCCTGTGCTGCTGAGGCCTGGTGAGGAGTATGACCACACCACCTGGTTCAAGTTTTCT-3'
Protein context (NP_620156.1, residues 310-330): NWPDAVNQPR[Phe320Leu]PPVLLRPGEE